The following is an entry in ClinVar:

ClinVar aggregate classification (germline): Uncertain significance (1 of 4 stars; one submission).

Conditions:
Ataxia-telangiectasia syndrome (AT). Also called: Cerebello-oculocutaneous telangiectasia; ATAXIA-TELANGIECTASIA, COMPLEMENTATION GROUP A; ATAXIA-TELANGIECTASIA, FRESNO VARIANT; Ataxia-telangiectasia, complementation group D; AT, COMPLEMENTATION GROUP C; Immunodeficiency with ataxia telangiectasia. Identifiers: Orphanet 100, MedGen C0004135, MONDO:0008840, OMIM 208900.

Submission:

Labcorp Genetics (formerly Invitae), Labcorp
Classification: Uncertain significance for Ataxia-telangiectasia syndrome. Last evaluated: 2022-08-24. Review status: criteria provided, single submitter. Criteria: Invitae Variant Classification Sherloc (09022015). Collection method: clinical testing. Allele origin: germline.
Comment: Advanced modeling of protein sequence and biophysical properties (such as structural, functional, and spatial information, amino acid conservation, physicochemical variation, residue mobility, and thermodynamic stability) performed at Invitae indicates that this missense variant is not expected to disrupt ATM protein function. This variant has not been reported in the literature in individuals affected with ATM-related conditions. This variant is not present in population databases (gnomAD no frequency). This sequence change replaces lysine, which is basic and polar, with asparagine, which is neutral and polar, at codon 387 of the ATM protein (p.Lys387Asn). In summary, the available evidence is currently insufficient to determine the role of this variant in disease. Therefore, it has been classified as a Variant of Uncertain Significance.

NM_000051.4(ATM):c.1161G>C (p.Lys387Asn)

Gene: ATM (ATM serine/threonine kinase; plus strand). Cytogenetic location: 11q22.3.
Variant type: single nucleotide variant.
Coding change: c.1161G>C on transcript NM_000051.4 (MANE Select); coding-DNA position 1161, G replaced by C.
Protein change: p.Lys387Asn; replaces lysine 387 with asparagine.
Molecular consequence: missense variant.
Genome position (GRCh38, 1-based): chr11:108,249,028, G>C. VCF-style: chr11-108249028-G-C. GRCh37 (hg19) VCF-style: chr11-108119755-G-C.
Other names: c.1161G>C, p.Lys387Asn (NM_001351834.2); short protein forms K387N.
Identifiers: ClinVar variation 1717906 (VCV001717906.5), dbSNP rs786202369, ClinGen allele CA382532508.